The following is an entry in ClinVar:

ClinVar aggregate classification (germline): Benign/Likely benign. Review status: criteria provided, multiple submitters, no conflicts (2 of 4 stars). 2 submissions from 2 submitters: Benign (1); Likely benign (1). Last evaluated 2025-06-17.

Conditions:
Kabuki syndrome. Also called: Kabuki make-up syndrome; NIIKAWA-KUROKI SYNDROME. Identifiers: Orphanet 2322, MedGen C0796004, MONDO:0016512.

Allele frequency attached by ClinVar (database versions not stated): gnomAD 0.00001; gnomAD exomes 0.00001; TOPMed 0.00001.
gnomAD v4.1: 20 of 1,551,366 alleles (0.0013%); highest among the groups gnomAD compares: Middle Eastern, 0.05%; no homozygotes.

Submissions (2):

Labcorp Genetics (formerly Invitae), Labcorp
Classification: Benign for Kabuki syndrome. Last evaluated: 2025-06-17. Review status: criteria provided, single submitter. Criteria: Invitae Variant Classification Sherloc (09022015). Collection method: clinical testing. Allele origin: germline.

CeGaT Center for Human Genetics Tuebingen
Classification: Likely benign. Last evaluated: 2024-01-01. Review status: criteria provided, single submitter. Criteria: CeGaT Center For Human Genetics Tuebingen Variant Classification Criteria Version 2. Collection method: clinical testing. Allele origin: germline. Affected: yes. Observed: 1 variant allele.
Comment: KMT2D: PP2, BP4, BS1

NM_003482.4(KMT2D):c.11695C>A (p.Gln3899Lys)

Gene: KMT2D (lysine methyltransferase 2D; minus strand). Cytogenetic location: 12q13.12.
Variant type: single nucleotide variant.
Coding change: c.11695C>A on transcript NM_003482.4 (MANE Select); coding-DNA position 11695, C replaced by A.
Protein change: p.Gln3899Lys; replaces glutamine 3899 with lysine.
Molecular consequence: missense variant.
Genome position (GRCh38, 1-based): chr12:49,033,010, G>T on the plus strand (C>A on the coding strand, the complement: KMT2D is on the minus strand). VCF-style: chr12-49033010-G-T. GRCh37 (hg19) VCF-style: chr12-49426793-G-T.
Other names: short protein forms Q3899K.
Identifiers: ClinVar variation 2854439 (VCV002854439.25), dbSNP rs1276213833, ClinGen allele CA384716522.